The following is an entry in ClinVar:

Single allele

Genes: UPRT (uracil phosphoribosyltransferase homolog; plus strand), ZDHHC15 (zDHHC palmitoyltransferase 15; minus strand). Cytogenetic location: Xq13.3.
Variant type: Duplication.
Identifiers: ClinVar variation 560120 (VCV000560120.3).

ClinVar aggregate classification (germline): Uncertain significance (1 of 4 stars; one submission).

Submission:

Geisinger Autism and Developmental Medicine Institute, Geisinger Health System
Classification: Uncertain significance. Last evaluated: 2018-04-03. Review status: criteria provided, single submitter. Criteria: ACMG CNV Guidelines, 2011. Collection method: provider interpretation. Allele origin: maternal.
Comment: The duplicated region includes a portion of the UPRT and ZDHHC15 genes. A loss of function variant in ZDHHC15 has been reported in an individual with intellectual disability (Manosouri et al. 2015), but the impact of a duplication of this variant is unclear.

Literature cited by the submitters: PubMed 15915161.